The following is an entry in ClinVar:

ClinVar aggregate classification (germline): Uncertain significance. Review status: criteria provided, multiple submitters, no conflicts (2 of 4 stars). 2 submissions from 2 submitters: Uncertain significance (2). Last evaluated 2025-12-23.

Conditions:
Spondylometaphyseal dysplasia - Sutcliffe type. Also called: Spondylometaphyseal dysplasia, 'corner fracture' type; Spondylometaphyseal Dysplasia, Corner Fracture Type; Sutcliffe type of spondylometaphyseal dysplasia; Sutcliffe SMD. Identifiers: Orphanet 93315, MedGen C0432221, MONDO:0008479, OMIM 184255.
Glomerulopathy with fibronectin deposits 2 (GFND2). Identifiers: Orphanet 84090, MedGen C1866075, MONDO:0011165, OMIM 601894.

Allele frequency attached by ClinVar (database versions not stated): gnomAD exomes 0.00001 and 0.00002; ExAC 0.00002; gnomAD 0.00004; ESP Exome Variant Server 0.00008; TOPMed 0.00014; 1000 Genomes Project 0.00020; 1000 Genomes Project 30x 0.00031.

Submissions (2):

Labcorp Genetics (formerly Invitae), Labcorp
Classification: Uncertain significance. Last evaluated: 2025-12-23. Review status: criteria provided, single submitter. Criteria: Invitae Variant Classification Sherloc (09022015). Collection method: clinical testing. Allele origin: germline.
Comment: This sequence change replaces tyrosine, which is neutral and polar, with cysteine, which is neutral and slightly polar, at codon 1323 of the FN1 protein (p.Tyr1323Cys). This variant is present in population databases (rs200891393, gnomAD 0.009%). This variant has not been reported in the literature in individuals affected with FN1-related conditions. ClinVar contains an entry for this variant (Variation ID: 1439843). An algorithm developed to predict the effect of missense changes on protein structure and function (PolyPhen-2) suggests that this variant is likely to be disruptive. In summary, the available evidence is currently insufficient to determine the role of this variant in disease. Therefore, it has been classified as a Variant of Uncertain Significance.

Fulgent Genetics
Classification: Uncertain significance for Spondylometaphyseal dysplasia - Sutcliffe type; Glomerulopathy with fibronectin deposits 2. Last evaluated: 2022-02-16. Review status: criteria provided, single submitter. Criteria: ACMG Guidelines, 2015. Collection method: clinical testing. Allele origin: unknown.

NM_212482.4(FN1):c.3968A>G (p.Tyr1323Cys)

Gene: FN1 (fibronectin 1; minus strand). Cytogenetic location: 2q35.
Variant type: single nucleotide variant.
Coding change: c.3968A>G on transcript NM_212482.4 (MANE Select); coding-DNA position 3968, A replaced by G.
Protein change: p.Tyr1323Cys; replaces tyrosine 1323 with cysteine.
Molecular consequence: missense variant. On other transcripts: intron variant (10).
Genome position (GRCh38, 1-based): chr2:215,393,032, T>C on the plus strand (A>G on the coding strand, the complement: FN1 is on the minus strand). VCF-style: chr2-215393032-T-C. GRCh37 (hg19) VCF-style: chr2-216257755-T-C.
Other names: c.3968A>G, p.Tyr1323Cys (NM_001306129.2, NM_001306130.2, NM_001365517.2 and 3 more transcripts); c.3797-1218A>G (NM_212474.3, NM_001306132.2, NM_001365523.2 and 7 more transcripts); short protein forms Y1323C.
Identifiers: ClinVar variation 1439843 (VCV001439843.7), dbSNP rs200891393, ClinGen allele CA2094566.
Genomic context (GRCh38, chr2:215,393,032, plus strand): 5'-TTAATGAGAGTGATAACGCTGATATCATAGTCAATGCCCGGCTCCAGCCCTGTGACTGTG[T>C]AGTATCCTACTGAGGAGTCCACAAAATCTTCAAAAATAGGGATACCTTCTCCTGCCGCAA-3'
Protein context (NP_997647.2, residues 1313-1333): EDFVDSSVGY[Tyr1323Cys]TVTGLEPGID